The following is an entry in ClinVar:

NM_006912.6(RIT1):c.45C>G (p.Pro15=)

Gene: RIT1 (Ras like without CAAX 1; minus strand). Cytogenetic location: 1q22.
Variant type: single nucleotide variant.
Coding change: c.45C>G on transcript NM_006912.6 (MANE Select); coding-DNA position 45, C replaced by G.
Protein change: p.Pro15=; no amino-acid change (proline 15 retained).
Molecular consequence: synonymous variant. On other transcripts: intron variant (1).
Genome position (GRCh38, 1-based): chr1:155,910,717, G>C on the plus strand (C>G on the coding strand, the complement: RIT1 is on the minus strand). VCF-style: chr1-155910717-G-C. GRCh37 (hg19) VCF-style: chr1-155880508-G-C.
Other names: c.96C>G, p.Pro32= (NM_001256821.2); c.-2-211C>G (NM_001256820.2).
Identifiers: ClinVar variation 505721 (VCV000505721.22), dbSNP rs748838734, ClinGen allele CA1151907.

ClinVar aggregate classification (germline): Conflicting classifications of pathogenicity. Review status: criteria provided, conflicting classifications (1 of 4 stars). 7 submissions from 7 submitters: Uncertain significance (1); Likely benign (6). Last evaluated 2025-08-20.

Conditions:
Noonan syndrome and Noonan-related syndrome. Identifiers: Orphanet 98733, MedGen C5681679, MONDO:0020297.
Noonan syndrome 8 (NS8). Identifiers: Orphanet 648, MedGen C3809233, MONDO:0014143, OMIM 615355.
RIT1-related disorder. Also called: RIT1-related condition.
Cardiovascular phenotype. Identifiers: MedGen CN230736.

Allele frequency attached by ClinVar (database versions not stated): ExAC 0.00002; gnomAD 0.00003; TOPMed 0.00004.
gnomAD v4.1: 90 of 1,614,108 alleles (0.0056%); highest among the groups gnomAD compares: Non-Finnish European, 0.0067%; no homozygotes.

Submissions (7):

Labcorp Genetics (formerly Invitae), Labcorp
Classification: Likely benign for Noonan syndrome 8. Last evaluated: 2025-08-20. Review status: criteria provided, single submitter. Criteria: Invitae Variant Classification Sherloc (09022015). Collection method: clinical testing. Allele origin: germline.

PreventionGenetics, part of Exact Sciences
Classification: Likely benign for RIT1-related condition. Last evaluated: 2025-08-12. Review status: criteria provided, single submitter. Criteria: ACMG Guidelines, 2015. Collection method: clinical testing. Allele origin: germline.
Comment: This variant is classified as likely benign based on ACMG/AMP sequence variant interpretation guidelines (Richards et al. 2015 PMID: 25741868, with internal and published modifications).

Blueprint Genetics
Classification: Likely benign. Last evaluated: 2022-07-15. Review status: criteria provided, single submitter. Criteria: ACMG Guidelines, 2015. Collection method: clinical testing. Allele origin: germline.

Ambry Genetics
Classification: Likely benign for Cardiovascular phenotype. Last evaluated: 2020-06-21. Review status: criteria provided, single submitter. Criteria: Ambry Variant Classification Scheme 2023. Collection method: clinical testing. Allele origin: germline.

GeneDx
Classification: Likely benign. Last evaluated: 2019-12-18. Review status: criteria provided, single submitter. Criteria: GeneDx Variant Classification Process June 2021. Collection method: clinical testing. Allele origin: germline. Affected: yes.

Genome Diagnostics Laboratory, The Hospital for Sick Children
Classification: Uncertain significance for Noonan syndrome and Noonan-related syndrome. Last evaluated: 2017-12-01. Review status: criteria provided, single submitter. Criteria: ACMG Guidelines, 2015. Collection method: clinical testing. Allele origin: germline.

Laboratory for Molecular Medicine, Mass General Brigham Personalized Medicine
Classification: Likely benign. Last evaluated: 2017-03-07. Review status: criteria provided, single submitter. Criteria: LMM Criteria. Collection method: clinical testing. Allele origin: germline. Observed: 1 variant allele.
Comment: p.Pro32Pro in exon 2 of RIT1: This variant is not expected to have clinical sign ificance because it does not alter an amino acid residue and is not located with in the splice consensus sequence. It has been identified in 2/66736 European chr omosomes by the Exome Aggregation Consortium (ExAC, rg; dbSNP rs748838734).